The following is an entry in ClinVar:

NM_000038.6(APC):c.7339G>A (p.Ala2447Thr)

Gene: APC (APC regulator of Wnt signaling pathway; plus strand). Cytogenetic location: 5q22.2.
Variant type: single nucleotide variant.
Coding change: c.7339G>A on transcript NM_000038.6 (MANE Select); coding-DNA position 7339, G replaced by A.
Protein change: p.Ala2447Thr; replaces alanine 2447 with threonine.
Molecular consequence: missense variant.
Genome position (GRCh38, 1-based): chr5:112,842,933, G>A. VCF-style: chr5-112842933-G-A. GRCh37 (hg19) VCF-style: chr5-112178630-G-A.
Other names: c.7339G>A, p.Ala2447Thr (NM_001127510.3, NM_001354895.2); c.7285G>A, p.Ala2429Thr (NM_001127511.3); c.7393G>A, p.Ala2465Thr (NM_001354896.2); c.7369G>A, p.Ala2457Thr (NM_001354897.2); c.7264G>A, p.Ala2422Thr (NM_001354898.2); c.7255G>A, p.Ala2419Thr (NM_001354899.2); c.7216G>A, p.Ala2406Thr (NM_001354900.2); c.7162G>A, p.Ala2388Thr (NM_001354901.2); and 5 more; short protein forms A2429T, A2447T, A2164T, A2346T, A2419T, A2465T, A2356T, A2388T.
Identifiers: ClinVar variation 219516 (VCV000219516.17), dbSNP rs864622136, ClinGen allele CA349234.
Genomic context (GRCh38, chr5:112,842,933, plus strand): 5'-AGTGAATCTGATAGATCAGAAAGACCTGTATTAGTACGCCAGTCAACTTTCATCAAAGAA[G>A]CTCCAAGCCCAACCTTAAGAAGAAAATTGGAGGAATCTGCTTCATTTGAATCTCTTTCTC-3'
Protein context (NP_000029.2, residues 2437-2457): LVRQSTFIKE[Ala2447Thr]PSPTLRRKLE

ClinVar aggregate classification (germline): Uncertain significance. Review status: criteria provided, multiple submitters, no conflicts (2 of 4 stars). 3 submissions from 3 submitters: Uncertain significance (3). Last evaluated 2025-10-22.

Conditions:
Hereditary cancer-predisposing syndrome. Also called: Hereditary neoplastic syndrome; Tumor predisposition; Hereditary Cancer Syndrome; Neoplastic Syndromes, Hereditary. Identifiers: Orphanet 140162, MedGen C0027672, MeSH D009386, MONDO:0015356.
Familial adenomatous polyposis 1 (FAP1). Also called: FAMILIAL ADENOMATOUS POLYPOSIS 1, ATTENUATED; POLYPOSIS, ADENOMATOUS INTESTINAL. Identifiers: MedGen C2713442, MONDO:0021056, OMIM 175100. Disease mechanism: loss of function.

Allele frequency attached by ClinVar (database versions not stated): gnomAD exomes below 0.00001.

Submissions (3):

Ambry Genetics
Classification: Uncertain significance for Hereditary cancer-predisposing syndrome. Last evaluated: 2025-10-22. Review status: criteria provided, single submitter. Criteria: Ambry Variant Classification Scheme 2023. Collection method: clinical testing. Allele origin: germline.
Comment: The p.A2447T variant (also known as c.7339G>A), located in coding exon 15 of the APC gene, results from a G to A substitution at nucleotide position 7339. The alanine at codon 2447 is replaced by threonine, an amino acid with similar properties. This amino acid position is well conserved in available vertebrate species. In addition, in silico predictors for this gene do not accurately predict pathogenicity. Missense alterations in APC are not a common cause of disease (Spier I et al. Genet Med. 2024 Feb;26(2):100992). Based on the available evidence, the clinical significance of this variant remains unclear.

Labcorp Genetics (formerly Invitae), Labcorp
Classification: Uncertain significance for Familial adenomatous polyposis 1. Last evaluated: 2025-01-08. Review status: criteria provided, single submitter. Criteria: Invitae Variant Classification Sherloc (09022015). Collection method: clinical testing. Allele origin: germline.
Comment: This sequence change replaces alanine, which is neutral and non-polar, with threonine, which is neutral and polar, at codon 2447 of the APC protein (p.Ala2447Thr). This variant is not present in population databases (gnomAD no frequency). This variant has not been reported in the literature in individuals affected with APC-related conditions. ClinVar contains an entry for this variant (Variation ID: 219516). Invitae Evidence Modeling of protein sequence and biophysical properties (such as structural, functional, and spatial information, amino acid conservation, physicochemical variation, residue mobility, and thermodynamic stability) indicates that this missense variant is not expected to disrupt APC protein function with a negative predictive value of 95%. In summary, the available evidence is currently insufficient to determine the role of this variant in disease. Therefore, it has been classified as a Variant of Uncertain Significance.

Color Diagnostics, LLC DBA Color Health
Classification: Uncertain significance for Hereditary cancer-predisposing syndrome. Last evaluated: 2022-11-02. Review status: criteria provided, single submitter. Criteria: ACMG Guidelines, 2015. Collection method: clinical testing. Allele origin: germline.
Comment: This missense variant replaces alanine with threonine at codon 2447 of the APC protein. Computational prediction suggests that this variant may not impact protein structure and function (internally defined REVEL score threshold <= 0.5, PMID: 27666373). To our knowledge, functional studies have not been reported for this variant. This variant has not been reported in individuals affected with hereditary cancer in the literature. This variant has not been identified in the general population by the Genome Aggregation Database (gnomAD). The available evidence is insufficient to determine the role of this variant in disease conclusively. Therefore, this variant is classified as a Variant of Uncertain Significance.